The following is an entry in ClinVar:

NM_000532.5(PCCB):c.1090+320A>G

Gene: PCCB (propionyl-CoA carboxylase subunit beta; plus strand). Cytogenetic location: 3q22.3.
Variant type: single nucleotide variant.
Coding change: c.1090+320A>G on transcript NM_000532.5 (MANE Select); 320 bases into the intron after coding-DNA position 1090, A replaced by G.
Molecular consequence: intron variant.
Genome position (GRCh38, 1-based): chr3:136,317,384, A>G. VCF-style: chr3-136317384-A-G. GRCh37 (hg19) VCF-style: chr3-136036226-A-G.
Other names: c.1150+320A>G (NM_001178014.2).
Identifiers: ClinVar variation 683376 (VCV000683376.1), dbSNP rs1291921, ClinGen allele CA15267023.

ClinVar aggregate classification (germline): Benign (1 of 4 stars; one submission).

Allele frequency attached by ClinVar (database versions not stated): TOPMed 0.72204; gnomAD 0.72973 and 0.73405; 1000 Genomes Project 0.75839; 1000 Genomes Project 30x 0.75843.
gnomAD v4.1: 110,816 of 151,170 alleles (73%); highest among the groups gnomAD compares: East Asian, 86%; 40,768 homozygotes.

Submission:

GeneDx
Classification: Benign. Last evaluated: 2018-06-14. Review status: criteria provided, single submitter. Criteria: GeneDx Variant Classification (06012015). Collection method: clinical testing. Allele origin: germline. Affected: yes.
Comment: This variant is considered likely benign or benign based on one or more of the following criteria: it is a conservative change, it occurs at a poorly conserved position in the protein, it is predicted to be benign by multiple in silico algorithms, and/or has population frequency not consistent with disease.